The following is an entry in ClinVar:

ClinVar aggregate classification (germline): Likely pathogenic (1 of 4 stars; one submission).

Conditions:
Joubert syndrome and related disorders. Identifiers: Orphanet 140874, MedGen C5679612, MONDO:0015369.

Allele frequency attached by ClinVar (database versions not stated): gnomAD exomes below 0.00001.
gnomAD v4.1: 1 of 1,613,422 alleles (0.000062%); highest among the groups gnomAD compares: Non-Finnish European, 0.000085%; no homozygotes.

Submission:

Women's Health and Genetics/Laboratory Corporation of America, LabCorp
Classification: Likely pathogenic for Joubert syndrome and related disorders. Last evaluated: 2023-03-17. Review status: criteria provided, single submitter. Criteria: LabCorp Variant Classification Summary - May 2015. Collection method: clinical testing. Allele origin: germline.
Comment: Variant summary: ARL13B c.976C>T (p.Gln326X) results in a premature termination codon, predicted to cause a truncation of the encoded protein or absence of the protein due to nonsense mediated decay, which are commonly known mechanisms for disease. Truncations downstream of this position have been classified as pathogenic in ClinVar. The variant was absent in 251100 control chromosomes. To our knowledge, no occurrence of c.976C>T in individuals affected with Joubert Syndrome And Related Disorders and no experimental evidence demonstrating its impact on protein function have been reported. No clinical diagnostic laboratories have submitted clinical-significance assessments for this variant to ClinVar after 2014. Based on the evidence outlined above, the variant was classified as likely pathogenic.

NM_001174150.2(ARL13B):c.976C>T (p.Gln326Ter)

Gene: ARL13B (ARF like GTPase 13B; plus strand). Cytogenetic location: 3q11.2.
Variant type: single nucleotide variant.
Coding change: c.976C>T on transcript NM_001174150.2 (MANE Select); coding-DNA position 976, C replaced by T.
Protein change: p.Gln326Ter; replaces glutamine 326 with a stop codon.
Molecular consequence: nonsense. On other transcripts: non-coding transcript variant (2).
Genome position (GRCh38, 1-based): chr3:94,043,192, C>T. VCF-style: chr3-94043192-C-T. GRCh37 (hg19) VCF-style: chr3-93762036-C-T.
Other names: c.667C>T, p.Gln223Ter (NM_001174151.2); c.931C>T, p.Gln311Ter (NM_001321328.2); c.976C>T, p.Gln326Ter (NM_001410782.1, NM_182896.3); c.655C>T, p.Gln219Ter (NM_144996.4); short protein forms Q219*, Q223*, Q311*, Q326*.
Identifiers: ClinVar variation 2501016 (VCV002501016.1), dbSNP rs2472122003, ClinGen allele CA353679210.